The following is an entry in ClinVar:

ClinVar aggregate classification (germline): Likely benign. Review status: criteria provided, multiple submitters, no conflicts (2 of 4 stars). 2 submissions from 2 submitters: Likely benign (2). Last evaluated 2023-08-15.

Conditions:
Galactosylceramide beta-galactosidase deficiency. Also called: GALACTOCEREBROSIDASE DEFICIENCY; GALC DEFICIENCY; GLOBOID CELL LEUKOENCEPHALOPATHY; Leukodystrophy, Globoid Cell; Krabbe Disease. Identifiers: Orphanet 487, MedGen C0023521, MONDO:0009499, OMIM 245200.

gnomAD v4.1: 8 of 1,598,640 alleles (0.0005%); highest among the groups gnomAD compares: Admixed American, 0.0033%; no homozygotes.

Submissions (2):

Labcorp Genetics (formerly Invitae), Labcorp
Classification: Likely benign for Galactosylceramide beta-galactosidase deficiency. Last evaluated: 2023-08-15. Review status: criteria provided, single submitter. Criteria: Invitae Variant Classification Sherloc (09022015). Collection method: clinical testing. Allele origin: germline.

CeGaT Center for Human Genetics Tuebingen
Classification: Likely benign. Last evaluated: 2022-05-01. Review status: criteria provided, single submitter. Criteria: CeGaT Center For Human Genetics Tuebingen Variant Classification Criteria Version 2. Collection method: clinical testing. Allele origin: germline. Affected: yes. Observed: 1 variant allele.
Comment: GALC: BP4, BP7

NM_000153.4(GALC):c.1302C>G (p.Ser434=)

Gene: GALC (galactosylceramidase; minus strand). Cytogenetic location: 14q31.3.
Variant type: single nucleotide variant.
Coding change: c.1302C>G on transcript NM_000153.4 (MANE Select); coding-DNA position 1302, C replaced by G.
Protein change: p.Ser434=; no amino-acid change (serine 434 retained).
Molecular consequence: synonymous variant. On other transcripts: non-coding transcript variant (1).
Genome position (GRCh38, 1-based): chr14:87,949,881, G>C on the plus strand (C>G on the coding strand, the complement: GALC is on the minus strand). VCF-style: chr14-87949881-G-C. GRCh37 (hg19) VCF-style: chr14-88416225-G-C.
Other names: c.1233C>G, p.Ser411= (NM_001201401.2); c.1224C>G, p.Ser408= (NM_001201402.2); c.1134C>G, p.Ser378= (NM_001424071.1, NM_001424072.1, NM_001424073.1); c.954C>G, p.Ser318= (NM_001424074.1, NM_001424075.1); c.669C>G, p.Ser223= (NM_001424076.1, NM_001424077.1).
Identifiers: ClinVar variation 2644434 (VCV002644434.27), dbSNP rs3213918, ClinGen allele CA487355743.